The following is an entry in ClinVar:

ClinVar aggregate classification (germline): Likely benign (1 of 4 stars; one submission).

Conditions:
RAI1-related disorder. Also called: RAI1-related condition.

gnomAD v4.1: 1 of 1,614,002 alleles (0.000062%); highest among the groups gnomAD compares: Non-Finnish European, 0.000085%; no homozygotes.

Submission:

PreventionGenetics, part of Exact Sciences
Classification: Likely benign for RAI1-related condition. Last evaluated: 2026-08-19. Review status: criteria provided, single submitter. Criteria: ACMG Guidelines, 2015. Collection method: clinical testing. Allele origin: germline.
Comment: This variant is classified as likely benign based on ACMG/AMP sequence variant interpretation guidelines (Richards et al. 2015 PMID: 25741868, with internal and published modifications).

NM_030665.4(RAI1):c.4977G>A (p.Gln1659=)

Gene: RAI1 (retinoic acid induced 1; plus strand). Cytogenetic location: 17p11.2.
Variant type: single nucleotide variant.
Coding change: c.4977G>A on transcript NM_030665.4 (MANE Select); coding-DNA position 4977, G replaced by A.
Protein change: p.Gln1659=; no amino-acid change (glutamine 1659 retained).
Molecular consequence: synonymous variant.
Genome position (GRCh38, 1-based): chr17:17,797,925, G>A. VCF-style: chr17-17797925-G-A. GRCh37 (hg19) VCF-style: chr17-17701239-G-A.
Identifiers: ClinVar variation 4992237 (VCV004992237.1).